The following is an entry in ClinVar:

ClinVar aggregate classification (germline): Uncertain significance. Review status: criteria provided, multiple submitters, no conflicts (2 of 4 stars). 2 submissions from 2 submitters: Uncertain significance (2). Last evaluated 2023-12-13.

Conditions:
Hereditary breast ovarian cancer syndrome. Also called: Hereditary breast and ovarian cancer; Breast and ovarian cancer; Hereditary breast and/or ovarian cancer syndrome; BRCA1- and BRCA2-Associated Hereditary Breast and Ovarian Cancer; Hereditary breast and ovarian cancer syndrome; Hereditary breast and ovarian cancer syndrome (HBOC). Identifiers: Orphanet 145, MedGen C0677776, MeSH D061325, MONDO:0003582. Disease mechanism: loss of function.

Submissions (2):

Labcorp Genetics (formerly Invitae), Labcorp
Classification: Uncertain significance for Hereditary breast ovarian cancer syndrome. Last evaluated: 2023-12-13. Review status: criteria provided, single submitter. Criteria: Invitae Variant Classification Sherloc (09022015). Collection method: clinical testing. Allele origin: germline.
Comment: This sequence change replaces lysine, which is basic and polar, with arginine, which is basic and polar, at codon 110 of the BRCA1 protein (p.Lys110Arg). This variant is not present in population databases (gnomAD no frequency). This variant has not been reported in the literature in individuals affected with BRCA1-related conditions. ClinVar contains an entry for this variant (Variation ID: 1804789). Advanced modeling of protein sequence and biophysical properties (such as structural, functional, and spatial information, amino acid conservation, physicochemical variation, residue mobility, and thermodynamic stability) performed at Invitae indicates that this missense variant is not expected to disrupt BRCA1 protein function with a negative predictive value of 95%. In summary, the available evidence is currently insufficient to determine the role of this variant in disease. Therefore, it has been classified as a Variant of Uncertain Significance.

Women's Health and Genetics/Laboratory Corporation of America, LabCorp
Classification: Uncertain significance. Last evaluated: 2022-11-21. Review status: criteria provided, single submitter. Criteria: LabCorp Variant Classification Summary - May 2015. Collection method: clinical testing. Allele origin: germline.
Comment: Variant summary: BRCA1 c.329A>G (p.Lys110Arg) results in a conservative amino acid change in the encoded protein sequence. Four of five in-silico tools predict a benign effect of the variant on protein function. The variant was absent in 250986 control chromosomes. The available data on variant occurrences in the general population are insufficient to allow any conclusion about variant significance. To our knowledge, no occurrence of c.329A>G in individuals affected with Hereditary Breast And Ovarian Cancer Syndrome and no experimental evidence demonstrating its impact on protein function have been reported. No clinical diagnostic laboratories have submitted clinical-significance assessments for this variant to ClinVar after 2014. Based on the evidence outlined above, the variant was classified as uncertain significance.

Literature cited by the submitters: PubMed 17185394 (cited by Women's Health and Genetics/Laboratory Corporation of America, LabCorp).

NM_007294.4(BRCA1):c.329A>G (p.Lys110Arg)

Gene: BRCA1 (BRCA1 DNA repair associated; minus strand). Cytogenetic location: 17q21.31.
Variant type: single nucleotide variant.
Coding change: c.329A>G on transcript NM_007294.4 (MANE Select); coding-DNA position 329, A replaced by G.
Protein change: p.Lys110Arg; replaces lysine 110 with arginine.
Molecular consequence: missense variant. On other transcripts: non-coding transcript variant (1).
Genome position (GRCh38, 1-based): chr17:43,104,234, T>C on the plus strand (A>G on the coding strand, the complement: BRCA1 is on the minus strand). VCF-style: chr17-43104234-T-C. GRCh37 (hg19) VCF-style: chr17-41256251-T-C.
Other names: c.320A>G, p.Lys107Arg (NM_001407647.1, NM_001407646.1, NM_001408408.1); c.329A>G, p.Lys110Arg (NM_001407648.1, NM_001407649.1, NM_001407652.1 and 165 more transcripts); c.251A>G, p.Lys84Arg (NM_001407653.1, NM_001407654.1, NM_001407655.1 and 21 more transcripts); c.188A>G, p.Lys63Arg (NM_001407692.1, NM_001407694.1, NM_001407695.1 and 99 more transcripts); c.119A>G, p.Lys40Arg (NM_001407853.1, NM_001407879.1, NM_001407881.1 and 58 more transcripts); c.-53A>G (NM_001407959.1, NM_001407960.1, NM_001407962.1 and 4 more transcripts); c.197A>G, p.Lys66Arg (NM_001408451.1); short protein forms K107R, K110R, K40R, K63R, K66R, K84R.
Identifiers: ClinVar variation 1804789 (VCV001804789.6), dbSNP rs397509053, ClinGen allele CA10601489.